The following is an entry in ClinVar:

ClinVar aggregate classification (germline): Benign/Likely benign. Review status: criteria provided, multiple submitters, no conflicts (2 of 4 stars). 12 submissions from 11 submitters: Benign (5); Likely benign (6). 1 of the submissions does not count toward it. Last evaluated 2026-03-01.

Conditions:
COL6A2-related disorder.
Ullrich congenital muscular dystrophy 1A. Also called: Intermediate COL6-RD; Ullrich congenital muscular dystrophy 1. Identifiers: Orphanet 75840, MedGen C0410179, MONDO:0009681, OMIM 254090.
Bethlem myopathy 1A. Also called: Bethlem Muscular Dystrophy; Bethlem myopathy 1; MYOPATHY, BENIGN CONGENITAL, WITH CONTRACTURES. Identifiers: Orphanet 610, MedGen CN029274, MONDO:0024530, OMIM 158810.
Myosclerosis. Also called: Myosclerosis, congenital; MYOPATHY, MYOSCLEROTIC; MYOSCLEROSIS, CONGENITAL, OF LOWENTHAL. Identifiers: Orphanet 289380, MedGen C1850671, MONDO:0009714, OMIM 255600.
Collagen 6-related myopathy. Identifiers: MedGen CN117976, MONDO:0100225.

Allele frequency attached by ClinVar (database versions not stated): gnomAD 0.00171 and 0.00148; ESP Exome Variant Server 0.00216; gnomAD exomes 0.00246 and 0.00250; 1000 Genomes Project 0.00359; 1000 Genomes Project 30x 0.00312; TOPMed 0.00153; ExAC 0.00329.
gnomAD v4.1: 3,878 of 1,607,222 alleles (0.24%); highest among the groups gnomAD compares: South Asian, 0.93%; 21 homozygotes.

Submissions (12):

CeGaT Center for Human Genetics Tuebingen
Classification: Likely benign. Last evaluated: 2026-03-01. Review status: criteria provided, single submitter. Criteria: CeGaT Center For Human Genetics Tuebingen Variant Classification Criteria Version 2. Collection method: clinical testing. Allele origin: germline. Affected: yes. Observed: 10 variant alleles.
Comment: COL6A2: BP4, BS2

Labcorp Genetics (formerly Invitae), Labcorp
Classification: Benign for Bethlem myopathy 1A. Last evaluated: 2026-01-22. Review status: criteria provided, single submitter. Criteria: Invitae Variant Classification Sherloc (09022015). Collection method: clinical testing. Allele origin: germline.

Fulgent Genetics
Classification: Likely benign for Bethlem myopathy 1A; Ullrich congenital muscular dystrophy 1A; Myosclerosis. Last evaluated: 2022-01-07. Review status: criteria provided, single submitter. Criteria: ACMG Guidelines, 2015. Collection method: clinical testing. Allele origin: unknown.

GeneDx
Classification: Benign. Last evaluated: 2020-10-26. Review status: criteria provided, single submitter. Criteria: GeneDx Variant Classification Process June 2021. Collection method: clinical testing. Allele origin: germline. Affected: yes.
Comment: This variant is associated with the following publications: (PMID: 23040494, 15689448, no PMID, 24271325, 27535533)

Mendelics
Classification: Likely benign for Bethlem myopathy 1A. Last evaluated: 2019-05-28. Review status: criteria provided, single submitter. Criteria: Mendelics Assertion Criteria 2017. Collection method: clinical testing. Allele origin: unknown.

Mayo Clinic Laboratories, Mayo Clinic
Classification: Benign. Last evaluated: 2018-10-15. Review status: criteria provided, single submitter. Criteria: ACMG Guidelines, 2015. Collection method: clinical testing. Allele origin: germline. Observed: 8 variant alleles.

Illumina Laboratory Services, Illumina
Classification: Likely benign for Collagen VI-related myopathy. Last evaluated: 2017-04-28. Review status: criteria provided, single submitter. Criteria: ICSL Variant Classification Criteria 13 December 2019. Collection method: clinical testing. Allele origin: germline.
Comment: This variant was observed as part of a predisposition screen in an ostensibly healthy population. A literature search was performed for the gene, cDNA change, and amino acid change (where applicable). Publications were found based on this search. The evidence from the literature, in combination with allele frequency data from public databases where available, was sufficient to determine this variant is unlikely to cause disease. Therefore, this variant is classified as likely benign.

Illumina Laboratory Services, Illumina
Classification: Likely benign for Myosclerosis. Last evaluated: 2017-04-28. Review status: criteria provided, single submitter. Criteria: ICSL Variant Classification Criteria 13 December 2019. Collection method: clinical testing. Allele origin: germline.
Comment: This variant was observed as part of a predisposition screen in an ostensibly healthy population. A literature search was performed for the gene, cDNA change, and amino acid change (where applicable). No publications were found based on this search. Allele frequency data from public databases allowed determination this variant is unlikely to cause disease. Therefore, this variant is classified as likely benign.

Eurofins Ntd Llc (ga)
Classification: Benign. Last evaluated: 2017-04-12. Review status: criteria provided, single submitter. Criteria: EGL Classification Definitions 2015. Collection method: clinical testing. Allele origin: germline. Observed: 7 variant alleles, 7 heterozygotes.

Breakthrough Genomics
Classification: Likely benign. Review status: criteria provided, single submitter. Criteria: ACMG Guidelines, 2015. Collection method: not provided. Allele origin: germline. Inheritance: Autosomal recessive inheritance. Affected: yes.

Broad Center for Mendelian Genomics, Broad Institute of MIT and Harvard
Classification: Benign for Bethlem myopathy 1A. Review status: criteria provided, single submitter. Criteria: ACMG Guidelines, 2015. Collection method: research. Allele origin: germline. Inheritance: Autosomal dominant inheritance. Affected: yes.
Comment: The heterozygous p.Arg853Gln variant in COL6A2 has been identified in 2 individuals, 1 with Bethlem myopathy and 1 with trisomy 21 and atrioventricular septal defect (PMID: 15689448, 23040494), but has also been identified in >1% of South Asian chromosomes and 4 homozygotes by ExAC. In summary, this variant meets criteria to be classified as benign for Bethlem myopathy.

PreventionGenetics, part of Exact Sciences
Classification: Benign for COL6A2-related condition. Last evaluated: 2021-08-19. Review status: no assertion criteria provided. Collection method: clinical testing. Allele origin: germline. Not counted in ClinVar's aggregate classification.
Comment: This variant is classified as benign based on ACMG/AMP sequence variant interpretation guidelines (Richards et al. 2015 PMID: 25741868, with internal and published modifications).

Literature cited by the submitters: PubMed 23040494 (cited by Illumina Laboratory Services, Illumina and Broad Center for Mendelian Genomics, Broad Institute of MIT and Harvard); PubMed 15689448 (cited by Illumina Laboratory Services, Illumina and Broad Center for Mendelian Genomics, Broad Institute of MIT and Harvard).

NM_001849.4(COL6A2):c.2558G>A (p.Arg853Gln)

Gene: COL6A2 (collagen type VI alpha 2 chain; plus strand). Cytogenetic location: 21q22.3.
Variant type: single nucleotide variant.
Coding change: c.2558G>A on transcript NM_001849.4 (MANE Select); coding-DNA position 2558, G replaced by A.
Protein change: p.Arg853Gln; replaces arginine 853 with glutamine.
Molecular consequence: missense variant.
Genome position (GRCh38, 1-based): chr21:46,132,050, G>A. VCF-style: chr21-46132050-G-A. GRCh37 (hg19) VCF-style: chr21-47551964-G-A.
Other names: p.R853Q:CGG>CAG; short protein forms R853Q.
Identifiers: ClinVar variation 162538 (VCV000162538.62), dbSNP rs144830948, ClinGen allele CA295282.